The following is an entry in ClinVar:

ClinVar aggregate classification (germline): Uncertain significance (1 of 4 stars; one submission).

Conditions:
Hereditary cancer-predisposing syndrome. Also called: Hereditary Cancer Syndrome; Tumor predisposition; Hereditary neoplastic syndrome; Neoplastic Syndromes, Hereditary. Identifiers: Orphanet 140162, MedGen C0027672, MeSH D009386, MONDO:0015356.
Cardiovascular phenotype. Identifiers: MedGen CN230736.

Submission:

Ambry Genetics
Classification: Uncertain significance for Cardiovascular phenotype; Hereditary cancer-predisposing syndrome. Last evaluated: 2024-06-29. Review status: criteria provided, single submitter. Criteria: Ambry Variant Classification Scheme 2023. Collection method: clinical testing. Allele origin: germline.
Comment: The p.M1928V variant (also known as c.5782A>G), located in coding exon 39 of the NF1 gene, results from an A to G substitution at nucleotide position 5782. The methionine at codon 1928 is replaced by valine, an amino acid with highly similar properties. This amino acid position is conserved. In addition, the in silico prediction for this alteration is inconclusive. Based on the available evidence, the clinical significance of this variant remains unclear.

NM_001042492.3(NF1):c.5845A>G (p.Met1949Val)

Gene: NF1 (neurofibromin 1; plus strand). Cytogenetic location: 17q11.2.
Variant type: single nucleotide variant.
Coding change: c.5845A>G on transcript NM_001042492.3 (MANE Select); coding-DNA position 5845, A replaced by G.
Protein change: p.Met1949Val; replaces methionine 1949 with valine.
Molecular consequence: missense variant.
Genome position (GRCh38, 1-based): chr17:31,334,870, A>G. VCF-style: chr17-31334870-A-G. GRCh37 (hg19) VCF-style: chr17-29661888-A-G.
Other names: c.5782A>G, p.Met1928Val (NM_000267.4); short protein forms M1928V, M1949V.
Identifiers: ClinVar variation 3404648 (VCV003404648.1).